The following is an entry in ClinVar:

ClinVar aggregate classification (germline): Uncertain significance. Review status: criteria provided, multiple submitters, no conflicts (2 of 4 stars). 8 submissions from 8 submitters: Uncertain significance (8). Last evaluated 2025-12-20.

Conditions:
Hereditary cancer-predisposing syndrome. Also called: Neoplastic Syndromes, Hereditary; Hereditary Cancer Syndrome; Hereditary neoplastic syndrome; Tumor predisposition. Identifiers: Orphanet 140162, MedGen C0027672, MeSH D009386, MONDO:0015356.
Hereditary diffuse gastric adenocarcinoma (HDGC). Also called: DIFFUSE GASTRIC AND LOBULAR BREAST CANCER SYNDROME. Identifiers: Orphanet 26106, MedGen C1708349, MONDO:0007648, OMIM 137215.
Familial cancer of breast. Also called: Hereditary breast cancer; hereditary breast carcinoma; BREAST CANCER, FAMILIAL. Identifiers: Orphanet 227535, MedGen C0346153, MONDO:0016419, OMIM 114480. Disease mechanism: loss of function.

Allele frequency attached by ClinVar (database versions not stated): gnomAD exomes below 0.00001 and 0.00001; ExAC 0.00001; 1000 Genomes Project 30x 0.00016; 1000 Genomes Project 0.00020.

Submissions (8):

Labcorp Genetics (formerly Invitae), Labcorp
Classification: Uncertain significance for Hereditary diffuse gastric adenocarcinoma. Last evaluated: 2025-12-20. Review status: criteria provided, single submitter. Criteria: Invitae Variant Classification Sherloc (09022015). Collection method: clinical testing. Allele origin: germline.
Comment: This sequence change replaces tyrosine, which is neutral and polar, with cysteine, which is neutral and slightly polar, at codon 755 of the CDH1 protein (p.Tyr755Cys). This variant is present in population databases (rs187289510, gnomAD 0.002%). This missense change has been observed in individual(s) with clinical features of CDH1-related conditions (internal data). ClinVar contains an entry for this variant (Variation ID: 140756). An algorithm developed to predict the effect of missense changes on protein structure and function (PolyPhen-2) suggests that this variant is likely to be disruptive. In summary, the available evidence is currently insufficient to determine the role of this variant in disease. Therefore, it has been classified as a Variant of Uncertain Significance.

Ambry Genetics
Classification: Uncertain significance for Hereditary cancer-predisposing syndrome. Last evaluated: 2025-03-27. Review status: criteria provided, single submitter. Criteria: Ambry Variant Classification Scheme 2023. Collection method: clinical testing. Allele origin: germline.
Comment: The p.Y755C variant (also known as c.2264A>G), located in coding exon 14 of the CDH1 gene, results from an A to G substitution at nucleotide position 2264. The tyrosine at codon 755 is replaced by cysteine, an amino acid with highly dissimilar properties. This amino acid position is highly conserved in available vertebrate species. In addition, this alteration is predicted to be deleterious by in silico analysis. Based on the available evidence, the clinical significance of this variant remains unclear.

GeneDx
Classification: Uncertain significance. Last evaluated: 2024-02-28. Review status: criteria provided, single submitter. Criteria: GeneDx Variant Classification Process June 2021. Collection method: clinical testing. Allele origin: germline. Affected: yes.
Comment: Not observed at significant frequency in large population cohorts (gnomAD); In silico analysis supports that this missense variant has a deleterious effect on protein structure/function; Has not been previously published as pathogenic or benign to our knowledge; This variant is associated with the following publications: (PMID: 15235021, 22850631)

Baylor Genetics
Classification: Uncertain significance for Familial cancer of breast. Last evaluated: 2023-12-05. Review status: criteria provided, single submitter. Criteria: ACMG Guidelines, 2015. Collection method: clinical testing. Allele origin: unknown.

Color Diagnostics, LLC DBA Color Health
Classification: Uncertain significance for Hereditary cancer-predisposing syndrome. Last evaluated: 2023-06-28. Review status: criteria provided, single submitter. Criteria: ACMG Guidelines, 2015. Collection method: clinical testing. Allele origin: germline.
Comment: This missense variant replaces tyrosine with cysteine at codon 755 of the CDH1 protein. To our knowledge, functional studies have not been reported for this variant. This variant has not been reported in individuals affected with CDH1-related disorders in the literature. This variant has been identified in 3/251480 chromosomes in the general population by the Genome Aggregation Database (gnomAD). The available evidence is insufficient to determine the role of this variant in disease conclusively. Therefore, this variant is classified as a Variant of Uncertain Significance.

Women's Health and Genetics/Laboratory Corporation of America, LabCorp
Classification: Uncertain significance. Last evaluated: 2019-01-30. Review status: criteria provided, single submitter. Criteria: LabCorp Variant Classification Summary - May 2015. Collection method: clinical testing. Allele origin: germline.
Comment: Variant summary: CDH1 c.2264A>G (p.Tyr755Cys) results in a non-conservative amino acid change located in the cytoplasmic domain of the encoded protein sequence. Five of five in-silico tools predict a damaging effect of the variant on protein function. The variant allele was found at a frequency of 1.2e-05 in 251480 control chromosomes (gnomAD). The available data on variant occurrences in the general population are insufficient to allow any conclusion about variant significance. To our knowledge, no occurrence of c.2264A>G in individuals affected with Hereditary Diffuse Gastric Cancer and no experimental evidence demonstrating its impact on protein function have been reported. Three ClinVar submissions from clinical diagnostic laboratories (evaluation after 2014) cite the variant as uncertain significance. Based on the evidence outlined above, the variant was classified as uncertain significance.

Quest Diagnostics Nichols Institute San Juan Capistrano
Classification: Uncertain significance. Last evaluated: 2018-03-16. Review status: criteria provided, single submitter. Criteria: Quest Diagnostics criteria. Collection method: clinical testing. Allele origin: germline.

Vantari Genetics
Classification: Uncertain significance for Hereditary cancer-predisposing syndrome. Last evaluated: 2016-02-04. Review status: criteria provided, single submitter. Criteria: ACMG Guidelines, 2015. Collection method: clinical testing. Allele origin: germline.

Literature cited by the submitters: PubMed 27824116 (cited by Women's Health and Genetics/Laboratory Corporation of America, LabCorp).

NM_004360.5(CDH1):c.2264A>G (p.Tyr755Cys)

Gene: CDH1 (cadherin 1; plus strand). Cytogenetic location: 16q22.1.
Variant type: single nucleotide variant.
Coding change: c.2264A>G on transcript NM_004360.5 (MANE Select); coding-DNA position 2264, A replaced by G.
Protein change: p.Tyr755Cys; replaces tyrosine 755 with cysteine.
Molecular consequence: missense variant.
Genome position (GRCh38, 1-based): chr16:68,828,273, A>G. VCF-style: chr16-68828273-A-G. GRCh37 (hg19) VCF-style: chr16-68862176-A-G.
Other names: c.2264A>G (LRG_301t1); c.2081A>G, p.Tyr694Cys (NM_001317184.2); c.716A>G, p.Tyr239Cys (NM_001317185.2); c.299A>G, p.Tyr100Cys (NM_001317186.2); short protein forms Y755C, Y100C, Y694C, Y239C.
Identifiers: ClinVar variation 140756 (VCV000140756.25), dbSNP rs187289510, ClinGen allele CA163492.